The following is an entry in ClinVar:

NM_031272.5(TEX14):c.1611T>C (p.Tyr537=)

Gene: TEX14 (testis expressed 14, intercellular bridge forming factor; minus strand). Cytogenetic location: 17q22.
Variant type: single nucleotide variant.
Coding change: c.1611T>C on transcript NM_031272.5 (MANE Select); coding-DNA position 1611, T replaced by C.
Protein change: p.Tyr537=; no amino-acid change (tyrosine 537 retained).
Molecular consequence: synonymous variant.
Genome position (GRCh38, 1-based): chr17:58,601,873, A>G on the plus strand (T>C on the coding strand, the complement: TEX14 is on the minus strand). VCF-style: chr17-58601873-A-G. GRCh37 (hg19) VCF-style: chr17-56679234-A-G.
Other names: c.1629T>C, p.Tyr543= (NM_001201457.2); c.1611T>C, p.Tyr537= (NM_198393.4).
Identifiers: ClinVar variation 3905235 (VCV003905235.10).

ClinVar aggregate classification (germline): Likely benign (1 of 4 stars; one submission).

gnomAD v4.1: 5 of 1,613,316 alleles (0.00031%); highest among the groups gnomAD compares: Middle Eastern, 0.054%; no homozygotes.

Submission:

CeGaT Center for Human Genetics Tuebingen
Classification: Likely benign. Last evaluated: 2025-05-01. Review status: criteria provided, single submitter. Criteria: CeGaT Center For Human Genetics Tuebingen Variant Classification Criteria Version 2. Collection method: clinical testing. Allele origin: germline. Affected: yes. Observed: 1 variant allele.
Comment: TEX14: BP4, BP7